The following is an entry in ClinVar:

ClinVar aggregate classification (germline): Uncertain significance (1 of 4 stars; one submission).

Conditions:
Nephrolithiasis/nephrocalcinosis. Identifiers: MedGen CN580796.

Submission:

Ambry Genetics
Classification: Uncertain significance for Nephrolithiasis/nephrocalcinosis. Last evaluated: 2023-11-02. Review status: criteria provided, single submitter. Criteria: Ambry Variant Classification Scheme 2023. Collection method: clinical testing. Allele origin: germline.
Comment: The p.C781G variant (also known as c.2341T>G), located in coding exon 6 of the CASR gene, results from a T to G substitution at nucleotide position 2341. The cysteine at codon 781 is replaced by glycine, an amino acid with highly dissimilar properties. This amino acid position is conserved. In addition, this alteration is predicted to be deleterious by in silico analysis. Since supporting evidence is limited at this time, the clinical significance of this alteration remains unclear.

NM_000388.4(CASR):c.2341T>G (p.Cys781Gly)

Gene: CASR (calcium sensing receptor; plus strand). Cytogenetic location: 3q21.1.
Variant type: single nucleotide variant.
Coding change: c.2341T>G on transcript NM_000388.4 (MANE Select); coding-DNA position 2341, T replaced by G.
Protein change: p.Cys781Gly; replaces cysteine 781 with glycine.
Molecular consequence: missense variant.
Genome position (GRCh38, 1-based): chr3:122,284,295, T>G. VCF-style: chr3-122284295-T-G. GRCh37 (hg19) VCF-style: chr3-122003142-T-G.
Other names: c.2371T>G, p.Cys791Gly (NM_001178065.2); short protein forms C781G, C791G.
Identifiers: ClinVar variation 3231536 (VCV003231536.1), dbSNP rs2107650358, ClinGen allele CA354159587.